The following is an entry in ClinVar:

ClinVar aggregate classification (germline): Uncertain significance. Review status: criteria provided, multiple submitters, no conflicts (2 of 4 stars). 2 submissions from 2 submitters: Uncertain significance (2). Last evaluated 2026-07-22.

Conditions:
Inborn genetic diseases. Identifiers: MedGen C0950123, MeSH D030342.
CDH23-related disorder. Also called: CDH23-related condition; CDH23-related disorders.

gnomAD v4.1: 39 of 1,613,280 alleles (0.0024%); highest among the groups gnomAD compares: Non-Finnish European, 0.0033%; no homozygotes.

Submissions (2):

PreventionGenetics, part of Exact Sciences
Classification: Uncertain significance for CDH23-related condition. Last evaluated: 2026-07-22. Review status: criteria provided, single submitter. Criteria: ACMG Guidelines, 2015. Collection method: clinical testing. Allele origin: germline.
Comment: The CDH23 c.1912T>C variant is predicted to result in the amino acid substitution p.Tyr638His. To our knowledge, this variant has not been reported in the literature. This variant is reported in 0.0036% of alleles in individuals of European (Non-Finnish) descent in gnomAD. At this time, the clinical significance of this variant is uncertain due to the absence of conclusive functional and genetic evidence.

Ambry Genetics
Classification: Uncertain significance for Inborn genetic diseases. Last evaluated: 2025-08-08. Review status: criteria provided, single submitter. Criteria: Ambry Variant Classification Scheme 2023. Collection method: clinical testing. Allele origin: germline.

NM_022124.6(CDH23):c.1912T>C (p.Tyr638His)

Gene: CDH23 (cadherin related 23; plus strand). Cytogenetic location: 10q22.1.
Variant type: single nucleotide variant.
Coding change: c.1912T>C on transcript NM_022124.6 (MANE Select); coding-DNA position 1912, T replaced by C.
Protein change: p.Tyr638His; replaces tyrosine 638 with histidine.
Molecular consequence: missense variant.
Genome position (GRCh38, 1-based): chr10:71,682,498, T>C. VCF-style: chr10-71682498-T-C. GRCh37 (hg19) VCF-style: chr10-73442255-T-C.
Other names: c.1912T>C, p.Tyr638His (NM_001171930.2, NM_001171931.2); short protein forms Y638H.
Identifiers: ClinVar variation 4223842 (VCV004223842.2).
Genomic context (GRCh38, chr10:71,682,498, plus strand): 5'-ATTGCAGTGATCAGCGTCAGTCGCCCCCTGGATTATGAACAGATATCCAATGGGCTGATT[T>C]ATCTGACGGTCATGGCCATGGATGCTGGCAACCCCCCTCTCAACAGCACCGTCCCTGTCA-3'
Protein context (NP_071407.4, residues 628-648): DYEQISNGLI[Tyr638His]LTVMAMDAGN